The following is an entry in ClinVar:

ClinVar aggregate classification (germline): Uncertain significance (1 of 4 stars; one submission).

Conditions:
Inborn genetic diseases. Identifiers: MedGen C0950123, MeSH D030342.

Allele frequency attached by ClinVar (database versions not stated): gnomAD exomes below 0.00001; gnomAD 0.00001.

Submission:

Ambry Genetics
Classification: Uncertain significance for Inborn genetic diseases. Last evaluated: 2018-07-06. Review status: criteria provided, single submitter. Criteria: Ambry Variant Classification Scheme 2023. Collection method: clinical testing. Allele origin: germline.
Comment: The p.F43L variant (also known as c.129C>G), located in coding exon 2 of the CSTB gene, results from a C to G substitution at nucleotide position 129. The phenylalanine at codon 43 is replaced by leucine, an amino acid with highly similar properties. This amino acid position is well conserved in available vertebrate species. In addition, this alteration is predicted to be tolerated by in silico analysis. Since supporting evidence is limited at this time, the clinical significance of this alteration remains unclear.

NM_000100.4(CSTB):c.129C>G (p.Phe43Leu)

Gene: CSTB (cystatin B; minus strand). Cytogenetic location: 21q22.3.
Variant type: single nucleotide variant.
Coding change: c.129C>G on transcript NM_000100.4 (MANE Select); coding-DNA position 129, C replaced by G.
Protein change: p.Phe43Leu; replaces phenylalanine 43 with leucine.
Molecular consequence: missense variant.
Genome position (GRCh38, 1-based): chr21:43,774,697, G>C on the plus strand (C>G on the coding strand, the complement: CSTB is on the minus strand). VCF-style: chr21-43774697-G-C. GRCh37 (hg19) VCF-style: chr21-45194578-G-C.
Other names: short protein forms F43L.
Identifiers: ClinVar variation 1769309 (VCV001769309.2), dbSNP rs2084001866, ClinGen allele CA410408295.